The following is an entry in ClinVar:

NM_001395891.1(CLASP1):c.3679C>T (p.Arg1227Ter)

Gene: CLASP1 (cytoplasmic linker associated protein 1; minus strand). Cytogenetic location: 2q14.2.
Variant type: single nucleotide variant.
Coding change: c.3679C>T on transcript NM_001395891.1 (MANE Select); coding-DNA position 3679, C replaced by T.
Protein change: p.Arg1227Ter; replaces arginine 1227 with a stop codon.
Molecular consequence: nonsense.
Genome position (GRCh38, 1-based): chr2:121,377,525, G>A on the plus strand (C>T on the coding strand, the complement: CLASP1 is on the minus strand). VCF-style: chr2-121377525-G-A. GRCh37 (hg19) VCF-style: chr2-122135101-G-A.
Other names: c.3439C>T, p.Arg1147Ter (NM_001142273.2); c.3415C>T, p.Arg1139Ter (NM_001142274.2); c.3433C>T, p.Arg1145Ter (NM_001207051.2, NM_001378005.1); c.3520C>T, p.Arg1174Ter (NM_001378003.1); c.3412C>T, p.Arg1138Ter (NM_001378004.1); c.3616C>T, p.Arg1206Ter (NM_015282.3); short protein forms R1138*, R1145*, R1174*, R1147*, R1206*, R1139*, R1227*.
Identifiers: ClinVar variation 4997485 (VCV004997485.1).

ClinVar aggregate classification (germline): Uncertain significance (1 of 4 stars; one submission).

Conditions:
CLASP1-related disorder. Also called: CLASP1-related condition.

gnomAD v4.1: 1 of 1,604,796 alleles (0.000062%); highest among the groups gnomAD compares: Non-Finnish European, 0.000085%; no homozygotes.

Submission:

PreventionGenetics, part of Exact Sciences
Classification: Uncertain significance for CLASP1-related condition. Last evaluated: 2024-10-23. Review status: criteria provided, single submitter. Criteria: ACMG Guidelines, 2015. Collection method: clinical testing. Allele origin: germline.
Comment: The CLASP1 c.3616C>T variant is predicted to result in premature protein termination (p.Arg1206*). To our knowledge, this variant has not been reported in the literature or in a large population database (gnomAD), indicating this variant is rare. At this time, the clinical significance of this variant is uncertain due to the absence of conclusive functional and genetic evidence.